The following is an entry in ClinVar:

NM_021008.4(DEAF1):c.499del (p.Ala167fs)

Gene: DEAF1 (DEAF1 transcription factor; minus strand). Cytogenetic location: 11p15.5.
Variant type: Deletion.
Coding change: c.499del on transcript NM_021008.4 (MANE Select); coding-DNA position 499, one base deleted (G; older notation c.499delG).
Protein change: p.Ala167fs; shifts the reading frame from alanine 167.
Molecular consequence: frameshift variant. On other transcripts: 5 prime UTR variant (1).
Genome position (GRCh38, 1-based): chr11:688,349, C deleted on the plus strand (G on the coding strand, the reverse complement: DEAF1 is on the minus strand); the first of 2 consecutive C bases (chr11:688,349-688,350); deleting either gives the same sequence. VCF-style (leftmost placement, unchanged base first): chr11-688348-GC-G. GRCh37 (hg19) VCF-style: chr11-688348-GC-G.
Other names: c.498delG, p.Ala167Glnfs (NM_001293634.2); c.-228del (NM_001367390.1); short protein forms A167fs.
Identifiers: ClinVar variation 2843031 (VCV002843031.3), dbSNP rs2494458114, ClinGen allele CA2739276076.

ClinVar aggregate classification (germline): Pathogenic (1 of 4 stars; one submission).

Submission:

Labcorp Genetics (formerly Invitae), Labcorp
Classification: Pathogenic. Last evaluated: 2023-03-04. Review status: criteria provided, single submitter. Criteria: Invitae Variant Classification Sherloc (09022015). Collection method: clinical testing. Allele origin: germline.
Comment: This variant has not been reported in the literature in individuals affected with DEAF1-related conditions. This variant is not present in population databases (gnomAD no frequency). This sequence change creates a premature translational stop signal (p.Ala167Glnfs*106) in the DEAF1 gene. It is expected to result in an absent or disrupted protein product. Loss-of-function variants in DEAF1 are known to be pathogenic (PMID: 30923367). For these reasons, this variant has been classified as Pathogenic.

Literature cited by the submitters: PubMed 30923367.